The following is an entry in ClinVar:

ClinVar aggregate classification (germline): Likely benign (1 of 4 stars; one submission).

Conditions:
LRP2-related disorder. Also called: LRP2-related condition.

Submission:

PreventionGenetics, part of Exact Sciences
Classification: Likely benign for LRP2-related condition. Last evaluated: 2024-11-04. Review status: criteria provided, single submitter. Criteria: ACMG Guidelines, 2015. Collection method: clinical testing. Allele origin: germline.
Comment: This variant is classified as likely benign based on ACMG/AMP sequence variant interpretation guidelines (Richards et al. 2015 PMID: 25741868, with internal and published modifications).

NM_004525.3(LRP2):c.428-10_428-7del

Gene: LRP2 (LDL receptor related protein 2; minus strand). Cytogenetic location: 2q31.1.
Variant type: Deletion.
Coding change: c.428-10_428-7del on transcript NM_004525.3 (MANE Select); 10 bases into the intron before coding-DNA position 428 through 7 bases into the intron before coding-DNA position 428, 4 bases deleted (TTTA; older notation c.428-10_428-7delTTTA).
Molecular consequence: intron variant.
Genome position (GRCh38, 1-based): chr2:169,294,717-169,294,720, TAAA deleted on the plus strand (TTTA on the coding strand, the reverse complement: LRP2 is on the minus strand). VCF-style (leftmost placement, unchanged base first): chr2-169294716-GTAAA-G. GRCh37 (hg19) VCF-style: chr2-170151226-GTAAA-G.
Identifiers: ClinVar variation 4983058 (VCV004983058.1).